The following is an entry in ClinVar:

NM_000152.5(GAA):c.1774G>A (p.Gly592Arg)

Gene: GAA (alpha glucosidase; plus strand). Cytogenetic location: 17q25.3.
Variant type: single nucleotide variant.
Coding change: c.1774G>A on transcript NM_000152.5 (MANE Select); coding-DNA position 1774, G replaced by A.
Protein change: p.Gly592Arg; replaces glycine 592 with arginine.
Molecular consequence: missense variant.
Genome position (GRCh38, 1-based): chr17:80,112,597, G>A. VCF-style: chr17-80112597-G-A. GRCh37 (hg19) VCF-style: chr17-78086396-G-A.
Other names: c.1774G>A, p.Gly592Arg (NM_001079804.3, NM_001079803.3); short protein forms G592R.
Identifiers: ClinVar variation 1391630 (VCV001391630.5), dbSNP rs1387345310, ClinGen allele CA401369334.
Genomic context (GRCh38, chr17:80,112,597, plus strand): 5'-CCCGCTCCACACAGCCCTCACGGTGTCCCCCACCACCCCAGGGCGCTGGTGAAGGCTCGG[G>A]GGACACGCCCATTTGTGATCTCCCGCTCGACCTTTGCTGGCCACGGCCGATACGCCGGCC-3'
Protein context (NP_000143.2, residues 582-602): ASHRALVKAR[Gly592Arg]TRPFVISRST

ClinVar aggregate classification (germline): Uncertain significance (1 of 4 stars; one submission).

Conditions:
Glycogen storage disease, type II (IOPD). Also called: Pompe Disease; Glycogen storage disease type 2; Acid maltase deficiency disease; Aglucosidase alfa; Deficiency of alpha-glucosidase; Deficiency of lysosomal alpha-glucosidase. Identifiers: Orphanet 365, MedGen C0017921, MONDO:0009290, OMIM 232300.

Allele frequency attached by ClinVar (database versions not stated): gnomAD exomes below 0.00001; TOPMed below 0.00001; gnomAD 0.00001.
gnomAD v4.1: 3 of 1,612,882 alleles (0.00019%); highest among the groups gnomAD compares: Non-Finnish European, 0.00017%; no homozygotes.

Submission:

Labcorp Genetics (formerly Invitae), Labcorp
Classification: Uncertain significance for Glycogen storage disease, type II. Last evaluated: 2021-08-28. Review status: criteria provided, single submitter. Criteria: Invitae Variant Classification Sherloc (09022015). Collection method: clinical testing. Allele origin: germline.
Comment: This sequence change replaces glycine with arginine at codon 592 of the GAA protein (p.Gly592Arg). The glycine residue is moderately conserved and there is a moderate physicochemical difference between glycine and arginine. This variant is not present in population databases (ExAC no frequency). This variant has not been reported in the literature in individuals affected with GAA-related conditions. Advanced modeling of protein sequence and biophysical properties (such as structural, functional, and spatial information, amino acid conservation, physicochemical variation, residue mobility, and thermodynamic stability) performed at Invitae indicates that this missense variant is not expected to disrupt GAA protein function. In summary, the available evidence is currently insufficient to determine the role of this variant in disease. Therefore, it has been classified as a Variant of Uncertain Significance.